The following is an entry in ClinVar:

NM_001256627.2(BRSK2):c.1761C>G (p.Val587=)

Gene: BRSK2 (BR serine/threonine kinase 2; plus strand). Cytogenetic location: 11p15.5.
Variant type: single nucleotide variant.
Coding change: c.1761C>G on transcript NM_001256627.2 (MANE Select); coding-DNA position 1761, C replaced by G.
Protein change: p.Val587=; no amino-acid change (valine 587 retained).
Molecular consequence: synonymous variant. On other transcripts: non-coding transcript variant (1).
Genome position (GRCh38, 1-based): chr11:1,456,440, C>G. VCF-style: chr11-1456440-C-G. GRCh37 (hg19) VCF-style: chr11-1477670-C-G.
Other names: c.1761C>G, p.Val587= (NM_001256629.2, NM_003957.4); c.1899C>G, p.Val633= (NM_001256630.1); c.1581C>G, p.Val527= (NM_001282218.2).
Identifiers: ClinVar variation 3054202 (VCV003054202.2), dbSNP rs1443449373, ClinGen allele CA472038328.

ClinVar aggregate classification (germline): Likely benign (0 of 4 stars; one submission).

Conditions:
BRSK2-related disorder. Also called: BRSK2-related condition; BRSK2-Related Disorders.

Allele frequency attached by ClinVar (database versions not stated): TOPMed below 0.00001.

Submission:

PreventionGenetics, part of Exact Sciences
Classification: Likely benign for BRSK2-related condition. Last evaluated: 2022-08-30. Review status: no assertion criteria provided. Collection method: clinical testing. Allele origin: germline.
Comment: This variant is classified as likely benign based on ACMG/AMP sequence variant interpretation guidelines (Richards et al. 2015 PMID: 25741868, with internal and published modifications).